The following is an entry in ClinVar:

NM_000493.4(COL10A1):c.959G>T (p.Gly320Val)

Genes: COL10A1 (collagen type X alpha 1 chain; minus strand), NT5DC1 (5'-nucleotidase domain containing 1; plus strand). Cytogenetic location: 6q22.1.
Variant type: single nucleotide variant.
Coding change: c.959G>T on transcript NM_000493.4 (MANE Select); coding-DNA position 959, G replaced by T.
Protein change: p.Gly320Val; replaces glycine 320 with valine.
Molecular consequence: missense variant. On other transcripts: intron variant (1).
Genome position (GRCh38, 1-based): chr6:116,121,157, C>A on the plus strand (G>T on the coding strand, the complement: COL10A1 is on the minus strand). VCF-style: chr6-116121157-C-A. GRCh37 (hg19) VCF-style: chr6-116442320-C-A.
Other names: c.959G>T (NM_000493.3); c.959G>T, p.Gly320Val (NM_001424106.1, NM_001424107.1); c.529+3212C>A (NM_152729.3); short protein forms G320V.
Identifiers: ClinVar variation 1981564 (VCV001981564.5), dbSNP rs567114027, ClinGen allele CA3968287.

ClinVar aggregate classification (germline): Uncertain significance. Review status: criteria provided, multiple submitters, no conflicts (2 of 4 stars). 2 submissions from 2 submitters: Uncertain significance (2). Last evaluated 2025-11-25.

Conditions:
Inborn genetic diseases. Identifiers: MedGen C0950123, MeSH D030342.

Allele frequency attached by ClinVar (database versions not stated): ExAC 0.00001; gnomAD 0.00001; TOPMed 0.00003; 1000 Genomes Project 30x 0.00016; 1000 Genomes Project 0.00020.
gnomAD v4.1: 2 of 1,613,190 alleles (0.00012%); highest among the groups gnomAD compares: Admixed American, 0.0017%; no homozygotes.

Submissions (2):

Labcorp Genetics (formerly Invitae), Labcorp
Classification: Uncertain significance. Last evaluated: 2025-11-25. Review status: criteria provided, single submitter. Criteria: Invitae Variant Classification Sherloc (09022015). Collection method: clinical testing. Allele origin: germline.
Comment: This sequence change replaces glycine, which is neutral and non-polar, with valine, which is neutral and non-polar, at codon 320 of the COL10A1 protein (p.Gly320Val). This variant is present in population databases (rs567114027, gnomAD 0.003%). This variant has not been reported in the literature in individuals affected with COL10A1-related conditions. ClinVar contains an entry for this variant (Variation ID: 1981564). Invitae Evidence Modeling of protein sequence and biophysical properties (such as structural, functional, and spatial information, amino acid conservation, physicochemical variation, residue mobility, and thermodynamic stability) has been performed for this missense variant. However, the output from this modeling did not meet the statistical confidence thresholds required to predict the impact of this variant on COL10A1 protein function. In summary, the available evidence is currently insufficient to determine the role of this variant in disease. Therefore, it has been classified as a Variant of Uncertain Significance.

Ambry Genetics
Classification: Uncertain significance for Inborn genetic diseases. Last evaluated: 2025-02-11. Review status: criteria provided, single submitter. Criteria: Ambry Variant Classification Scheme 2023. Collection method: clinical testing. Allele origin: germline.